The following is an entry in ClinVar:

ClinVar aggregate classification (germline): Conflicting classifications of pathogenicity. Review status: criteria provided, conflicting classifications (1 of 4 stars). 2 submissions from 2 submitters: Uncertain significance (1); Likely benign (1). Last evaluated 2026-06-22.

Conditions:
Cardiovascular phenotype. Identifiers: MedGen CN230736.
Ehlers-Danlos syndrome, kyphoscoliotic type, 2. Also called: Ehlers-Danlos syndrome with progressive kyphoscoliosis, myopathy, and hearing loss; Ehlers-Danlos syndrome, kyphoscoliotic and deafness type; FKBP14-Kyphoscoliotic Ehlers-Danlos Syndrome. Identifiers: Orphanet 300179, MedGen C3281160, MONDO:0013800, OMIM 614557.

Allele frequency attached by ClinVar (database versions not stated): gnomAD exomes 0.00001 and 0.00002; TOPMed 0.00001.
gnomAD v4.1: 6 of 1,611,622 alleles (0.00037%); highest among the groups gnomAD compares: Admixed American, 0.0067%; no homozygotes.

Submissions (2):

Ambry Genetics
Classification: Likely benign for Cardiovascular phenotype. Last evaluated: 2026-06-22. Review status: criteria provided, single submitter. Criteria: Ambry Variant Classification Scheme 2023. Collection method: clinical testing. Allele origin: germline.

Labcorp Genetics (formerly Invitae), Labcorp
Classification: Uncertain significance for Ehlers-Danlos syndrome, kyphoscoliotic type, 2. Last evaluated: 2022-07-19. Review status: criteria provided, single submitter. Criteria: Invitae Variant Classification Sherloc (09022015). Collection method: clinical testing. Allele origin: germline.
Comment: This variant has not been reported in the literature in individuals affected with FKBP14-related conditions. In summary, the available evidence is currently insufficient to determine the role of this variant in disease. Therefore, it has been classified as a Variant of Uncertain Significance. Algorithms developed to predict the effect of missense changes on protein structure and function output the following: SIFT: "Deleterious"; PolyPhen-2: "Benign"; Align-GVGD: "Class C0". The cysteine amino acid residue is found in multiple mammalian species, which suggests that this missense change does not adversely affect protein function. ClinVar contains an entry for this variant (Variation ID: 1518716). This variant is present in population databases (no rsID available, gnomAD 0.01%). This sequence change replaces tryptophan, which is neutral and slightly polar, with cysteine, which is neutral and slightly polar, at codon 6 of the FKBP14 protein (p.Trp6Cys).

NM_017946.4(FKBP14):c.18G>C (p.Trp6Cys)

Genes: FKBP14 (FKBP prolyl isomerase 14; minus strand), FKBP14-AS1 (FKBP14 antisense RNA 1; plus strand). Cytogenetic location: 7p14.3.
Variant type: single nucleotide variant.
Coding change: c.18G>C on transcript NM_017946.4 (MANE Select); coding-DNA position 18, G replaced by C.
Protein change: p.Trp6Cys; replaces tryptophan 6 with cysteine.
Molecular consequence: missense variant. On other transcripts: non-coding transcript variant (2).
Genome position (GRCh38, 1-based): chr7:30,026,491, C>G on the plus strand (G>C on the coding strand, the complement: FKBP14 is on the minus strand). VCF-style: chr7-30026491-C-G. GRCh37 (hg19) VCF-style: chr7-30066107-C-G.
Other names: c.18G>C (NM_017946.2); short protein forms W6C.
Identifiers: ClinVar variation 1518716 (VCV001518716.7), dbSNP rs1481251822, ClinGen allele CA367118495.
Genomic context (GRCh38, chr7:30,026,491, plus strand): 5'-TTCTGGTTCAGGGATCAAAGCCCCAATCAAAGAAGTGACGAACAGAGTCAAGACCGCGTT[C>G]CACAAGAAAAGCCTCATGTTGCTGAAGCAAGGAAAGAAGTCCCTACAAAAGCAGCGAAAG-3'
Protein context (NP_060416.1, residues 1-16): MRLFL[Trp6Cys]NAVLTLFVTS